The following is an entry in ClinVar:

ClinVar aggregate classification (germline): Likely benign. Review status: criteria provided, single submitter (1 of 4 stars). 2 submissions from 2 submitters: Likely benign (1). 1 of the submissions does not count toward it. Last evaluated 2025-06-02.

Conditions:
WWOX-related disorder. Also called: WWOX-related condition.
Developmental and epileptic encephalopathy, 1 (DEE1). Also called: X-linked infantile spasms; West's syndrome; Tonic spasms with clustering, arrest of psychomotor development and hypsarrhythmia on EEG; X-Linked Infantile Spasm Syndrome; Epileptic encephalopathy, early infantile, 1; OHTAHARA SYNDROME, X-LINKED. Identifiers: MedGen C3463992, MONDO:0010632, OMIM 308350. Disease mechanism: loss of function.
Autosomal recessive spinocerebellar ataxia 12. Also called: SPINOCEREBELLAR ATAXIA WITH MENTAL RETARDATION AND EPILEPSY. Identifiers: Orphanet 284282, MedGen C3280452, MONDO:0013687, OMIM 614322.

Allele frequency attached by ClinVar (database versions not stated): ExAC 0.00002; gnomAD exomes 0.00002; TOPMed 0.00005; gnomAD 0.00006 and 0.00007; ESP Exome Variant Server 0.00008; 1000 Genomes Project 30x 0.00016; 1000 Genomes Project 0.00020.
gnomAD v4.1: 18 of 1,614,222 alleles (0.0011%); highest among the groups gnomAD compares: African/African-American, 0.017%; no homozygotes.

Submissions (2):

Labcorp Genetics (formerly Invitae), Labcorp
Classification: Likely benign for Developmental and epileptic encephalopathy, 1; Autosomal recessive spinocerebellar ataxia 12. Last evaluated: 2025-06-02. Review status: criteria provided, single submitter. Criteria: Invitae Variant Classification Sherloc (09022015). Collection method: clinical testing. Allele origin: germline.

PreventionGenetics, part of Exact Sciences
Classification: Likely benign for WWOX-related condition. Last evaluated: 2019-04-05. Review status: no assertion criteria provided. Collection method: clinical testing. Allele origin: germline. Not counted in ClinVar's aggregate classification.
Comment: This variant is classified as likely benign based on ACMG/AMP sequence variant interpretation guidelines (Richards et al. 2015 PMID: 25741868, with internal and published modifications).

NM_016373.4(WWOX):c.1125C>T (p.Tyr375=)

Genes: MAF (MAF bZIP transcription factor; minus strand), WWOX (WW domain containing oxidoreductase; plus strand). Cytogenetic location: 16q23.2.
Variant type: single nucleotide variant.
Coding change: c.1125C>T on transcript NM_016373.4 (MANE Select); coding-DNA position 1125, C replaced by T.
Protein change: p.Tyr375=; no amino-acid change (tyrosine 375 retained).
Molecular consequence: synonymous variant.
Genome position (GRCh38, 1-based): chr16:79,211,676, C>T. VCF-style: chr16-79211676-C-T. GRCh37 (hg19) VCF-style: chr16-79245573-C-T.
Other names: c.786C>T, p.Tyr262= (NM_001291997.2).
Identifiers: ClinVar variation 759793 (VCV000759793.11), dbSNP rs372703745, ClinGen allele CA8183748.